The following is an entry in ClinVar:

NC_000017.11:g.43126099T>C

Genes: BRCA1 (BRCA1 DNA repair associated; minus strand), NBR2 (neighbor of BRCA1 lncRNA 2; plus strand), LOC111589215 (BRCA1 promoter region; plus strand). Cytogenetic location: 17q21.31.
Variant type: single nucleotide variant.
Molecular consequence: intron variant (on NM_001408458.1).
Genome position: GRCh38 VCF-style: chr17-43126099-T-C. GRCh37 (hg19) VCF-style: chr17-41278116-T-C.
Other names: -729 A>G; c.-61-10320A>G (NM_001408458.1).
Identifiers: ClinVar variation 209582 (VCV000209582.10), dbSNP rs799906, ClinGen allele CA276551.

ClinVar aggregate classification (germline): Benign. Review status: reviewed by expert panel (3 of 4 stars). 2 submissions from 2 submitters: Benign (1). 1 of the submissions does not count toward it. Last evaluated 2015-01-12.

Conditions:
Hereditary breast ovarian cancer syndrome. Also called: Hereditary breast and ovarian cancer syndrome; Hereditary breast and ovarian cancer syndrome (HBOC); Hereditary breast and ovarian cancer; Hereditary breast and/or ovarian cancer syndrome; BRCA1- and BRCA2-Associated Hereditary Breast and Ovarian Cancer; Breast and ovarian cancer. Identifiers: Orphanet 145, MedGen C0677776, MeSH D061325, MONDO:0003582. Disease mechanism: loss of function.
Breast-ovarian cancer, familial, susceptibility to, 1 (BROVCA1). Also called: OVARIAN CANCER, SUSCEPTIBILITY TO; BRCA1 Hereditary Breast and Ovarian Cancer. Identifiers: Orphanet 145, MedGen C2676676, MONDO:0011450, OMIM 604370. Disease mechanism: loss of function.

Allele frequency attached by ClinVar (database versions not stated): 1000 Genomes Project 0.50319; gnomAD 0.45341 and 0.45421; TOPMed 0.45558; 1000 Genomes Project 30x 0.50500.
gnomAD v4.1: 68,779 of 152,150 alleles (45%); highest among the groups gnomAD compares: African/African-American, 69%; 17,320 homozygotes.

Submissions (2):

Evidence-based Network for the Interpretation of Germline Mutant Alleles (ENIGMA)
Classification: Benign for Breast-ovarian cancer, familial 1. Last evaluated: 2015-01-12. Review status: reviewed by expert panel. Criteria: ENIGMA BRCA1/2 Classification Criteria (2015). Collection method: curation. Allele origin: germline.
Comment: Class 1 not pathogenic based on frequency >1% in an outbred sampleset. Frequency 0.33 (Asian), 0.72 (African), 0.37 (European), derived from 1000 genomes (2012-04-30).

Labcorp Genetics (formerly Invitae), Labcorp
Classification: Benign for Hereditary breast ovarian cancer syndrome. Last evaluated: 2026-02-02. Review status: criteria provided, single submitter. Criteria: Invitae Variant Classification Sherloc (09022015). Collection method: clinical testing. Allele origin: germline. Not counted in ClinVar's aggregate classification.